The following is an entry in ClinVar:

NM_017437.3(CPSF2):c.1005C>T (p.Cys335=)

Gene: CPSF2 (cleavage and polyadenylation specific factor 2; plus strand). Cytogenetic location: 14q32.12.
Variant type: single nucleotide variant.
Coding change: c.1005C>T on transcript NM_017437.3 (MANE Select); coding-DNA position 1005, C replaced by T.
Protein change: p.Cys335=; no amino-acid change (cysteine 335 retained).
Molecular consequence: synonymous variant.
Genome position (GRCh38, 1-based): chr14:92,143,159, C>T. VCF-style: chr14-92143159-C-T. GRCh37 (hg19) VCF-style: chr14-92609503-C-T.
Other names: c.1005C>T, p.Cys335= (NM_001322270.2, NM_001322272.2); c.546C>T, p.Cys182= (NM_001322271.2).
Identifiers: ClinVar variation 3777928 (VCV003777928.7).
Genomic context (GRCh38, chr14:92,143,159, plus strand): 5'-TGACTTGGCCCGTGTACCTAGCCCTAAAGTTGTACTTGCCAGCCAACCTGACCTGGAATG[C>T]GGATTTTCAAGGGATCTCTTTATTCAGTGGTGTCAGGACCCTAAAAACTCAATCATTCTA-3'
Protein context (NP_059133.1, residues 325-345): VVLASQPDLE[Cys335=]GFSRDLFIQW

ClinVar aggregate classification (germline): Likely benign (1 of 4 stars; one submission).

Submission:

CeGaT Center for Human Genetics Tuebingen
Classification: Likely benign. Last evaluated: 2025-03-01. Review status: criteria provided, single submitter. Criteria: CeGaT Center For Human Genetics Tuebingen Variant Classification Criteria Version 2. Collection method: clinical testing. Allele origin: germline. Affected: yes. Observed: 1 variant allele.
Comment: CPSF2: BP4, BP7